The following is an entry in ClinVar:

NM_022089.4(ATP13A2):c.3153dup (p.Ser1052fs)

Gene: ATP13A2 (ATPase cation transporting 13A2; minus strand). Cytogenetic location: 1p36.13.
Variant type: Duplication.
Coding change: c.3153dup on transcript NM_022089.4 (MANE Select); coding-DNA position 3153, one base duplicated (C; older notation c.3153dupC).
Protein change: p.Ser1052fs; shifts the reading frame from serine 1052.
Molecular consequence: frameshift variant.
Genome position (GRCh38, 1-based): chr1:16,986,887, G duplicated on the plus strand (C on the coding strand, the reverse complement: ATP13A2 is on the minus strand). VCF-style (leftmost placement, unchanged base first): chr1-16986886-A-AG. GRCh37 (hg19) VCF-style: chr1-17313381-A-AG.
Other names: c.3138dup, p.Ser1047fs (NM_001141973.3); c.3021dup, p.Ser1008fs (NM_001141974.3); short protein forms S1052fs, S1008fs, S1047fs.
Identifiers: ClinVar variation 1968613 (VCV001968613.5), dbSNP rs747617559, ClinGen allele CA636588.

ClinVar aggregate classification (germline): Pathogenic (1 of 4 stars; one submission).

Conditions:
Autosomal recessive spastic paraplegia type 78. Identifiers: Orphanet 513436, MedGen C5567893, MONDO:0014975, OMIM 617225.
Kufor-Rakeb syndrome (KRS). Also called: PARKINSON DISEASE 9, AUTOSOMAL RECESSIVE, JUVENILE-ONSET. Identifiers: Orphanet 306674, Orphanet 314632, MedGen C1847640, MONDO:0011706, OMIM 606693.

Allele frequency attached by ClinVar (database versions not stated): gnomAD exomes below 0.00001; ExAC 0.00001.

Submission:

Labcorp Genetics (formerly Invitae), Labcorp
Classification: Pathogenic for Kufor-Rakeb syndrome; Autosomal recessive spastic paraplegia type 78. Last evaluated: 2024-10-15. Review status: criteria provided, single submitter. Criteria: Invitae Variant Classification Sherloc (09022015). Collection method: clinical testing. Allele origin: germline.
Comment: This sequence change creates a premature translational stop signal (p.Ser1052Leufs*62) in the ATP13A2 gene. It is expected to result in an absent or disrupted protein product. Loss-of-function variants in ATP13A2 are known to be pathogenic (PMID: 16964263, 21696388). This variant is present in population databases (rs747617559, gnomAD 0.0009%). This variant has not been reported in the literature in individuals affected with ATP13A2-related conditions. ClinVar contains an entry for this variant (Variation ID: 1968613). For these reasons, this variant has been classified as Pathogenic.

Literature cited by the submitters: PubMed 16964263; PubMed 21696388.